The following is an entry in ClinVar:

NM_001031725.6(DDX59):c.946C>A (p.Leu316Ile)

Gene: DDX59 (DEAD-box helicase 59; minus strand). Cytogenetic location: 1q32.1.
Variant type: single nucleotide variant.
Coding change: c.946C>A on transcript NM_001031725.6 (MANE Select); coding-DNA position 946, C replaced by A.
Protein change: p.Leu316Ile; replaces leucine 316 with isoleucine.
Molecular consequence: missense variant.
Genome position (GRCh38, 1-based): chr1:200,663,945, G>T on the plus strand (C>A on the coding strand, the complement: DDX59 is on the minus strand). VCF-style: chr1-200663945-G-T. GRCh37 (hg19) VCF-style: chr1-200633073-G-T.
Other names: p.Leu316Ile; c.946C>A, p.Leu316Ile (NM_001320181.2, NM_001320182.1, NM_001349799.3 and 5 more transcripts); short protein forms L316I.
Identifiers: ClinVar variation 775059 (VCV000775059.38), dbSNP rs147684909, ClinGen allele CA1318401.
Genomic context (GRCh38, chr1:200,663,945, plus strand): 5'-CTTTTCAAAGACATTGTATCAAATCAGTGCTTACCTTAACATGTTGTTGCAGACGATAAA[G>T]CTGTGGGGGTAAGGGTAAGCCCCCTACAAGAAGCACAGTTTTCATGCGTGGCAGGCCACT-3'
Protein context (NP_001026895.2, residues 306-326): LVGGLPLPPQ[Leu316Ile]YRLQQHVKVI

ClinVar aggregate classification (germline): Likely benign. Review status: criteria provided, multiple submitters, no conflicts (2 of 4 stars). 7 submissions from 7 submitters: Likely benign (4). 3 of the submissions do not count toward it. Last evaluated 2026-01-12.

Conditions:
DDX59-related disorder. Also called: DDX59-related condition.

Allele frequency attached by ClinVar (database versions not stated): 1000 Genomes Project 30x 0.00078; 1000 Genomes Project 0.00080; ESP Exome Variant Server 0.00261; TOPMed 0.00263; gnomAD exomes 0.00282 and 0.00438; gnomAD 0.00295 and 0.00304; ExAC 0.00300.
gnomAD v4.1: 6,786 of 1,613,340 alleles (0.42%); highest among the groups gnomAD compares: Non-Finnish European, 0.5%; 18 homozygotes.

Submissions (7):

Labcorp Genetics (formerly Invitae), Labcorp
Classification: Likely benign. Last evaluated: 2026-01-12. Review status: criteria provided, single submitter. Criteria: Invitae Variant Classification Sherloc (09022015). Collection method: clinical testing. Allele origin: germline.

Mayo Clinic Laboratories, Mayo Clinic
Classification: Likely benign. Last evaluated: 2025-06-18. Review status: criteria provided, single submitter. Criteria: ACMG Guidelines, 2015. Collection method: clinical testing. Allele origin: germline. Observed: 1 variant allele.
Comment: BS1, BP4_moderate

CeGaT Center for Human Genetics Tuebingen
Classification: Likely benign. Last evaluated: 2024-12-01. Review status: criteria provided, single submitter. Criteria: CeGaT Center For Human Genetics Tuebingen Variant Classification Criteria Version 2. Collection method: clinical testing. Allele origin: germline. Affected: yes. Observed: 3 variant alleles.
Comment: DDX59: BP4, BS2

Blueprint Genetics
Classification: Likely benign. Last evaluated: 2024-11-26. Review status: criteria provided, single submitter. Criteria: ACMG Guidelines, 2015. Collection method: clinical testing. Allele origin: germline.

PreventionGenetics, part of Exact Sciences
Classification: Likely benign for DDX59-related condition. Last evaluated: 2022-01-31. Review status: no assertion criteria provided. Collection method: clinical testing. Allele origin: germline. Not counted in ClinVar's aggregate classification.
Comment: This variant is classified as likely benign based on ACMG/AMP sequence variant interpretation guidelines (Richards et al. 2015 PMID: 25741868, with internal and published modifications).

Genome Diagnostics Laboratory, University Medical Center Utrecht
Classification: Likely benign. Review status: no assertion criteria provided. Collection method: clinical testing. Allele origin: germline. Affected: yes. Study: VKGL Data-share Consensus. Not counted in ClinVar's aggregate classification.

Laboratory of Diagnostic Genome Analysis, Leiden University Medical Center (LUMC)
Classification: Likely benign. Review status: no assertion criteria provided. Collection method: clinical testing. Allele origin: germline. Affected: yes. Study: VKGL Data-share Consensus. Not counted in ClinVar's aggregate classification.